The following is an entry in ClinVar:

ClinVar aggregate classification (germline): Uncertain significance. Review status: criteria provided, multiple submitters, no conflicts (2 of 4 stars). 2 submissions from 2 submitters: Uncertain significance (2). Last evaluated 2025-08-14.

Conditions:
Autosomal recessive limb-girdle muscular dystrophy type 2W (MDRCMTT). Also called: Muscular dystrophy, limb-girdle, type 2W; Muscular dystrophy, autosomal recessive, with cardiomyopathy and triangular tongue. Identifiers: MedGen C4225192, MONDO:0014788, OMIM 616827.

Allele frequency attached by ClinVar (database versions not stated): TOPMed 0.00003; gnomAD 0.00005; ESP Exome Variant Server 0.00008.
gnomAD v4.1: 238 of 1,614,028 alleles (0.015%); highest among the groups gnomAD compares: Non-Finnish European, 0.019%; no homozygotes.

Submissions (2):

Labcorp Genetics (formerly Invitae), Labcorp
Classification: Uncertain significance for Autosomal recessive limb-girdle muscular dystrophy type 2W. Last evaluated: 2025-08-14. Review status: criteria provided, single submitter. Criteria: Invitae Variant Classification Sherloc (09022015). Collection method: clinical testing. Allele origin: germline.
Comment: This sequence change replaces proline, which is neutral and non-polar, with serine, which is neutral and polar, at codon 119 of the LIMS2 protein (p.Pro119Ser). This variant is present in population databases (rs368536679, gnomAD 0.008%). This variant has not been reported in the literature in individuals affected with LIMS2-related conditions. ClinVar contains an entry for this variant (Variation ID: 475546). Invitae Evidence Modeling of protein sequence and biophysical properties (such as structural, functional, and spatial information, amino acid conservation, physicochemical variation, residue mobility, and thermodynamic stability) has been performed for this missense variant. However, the output from this modeling did not meet the statistical confidence thresholds required to predict the impact of this variant on LIMS2 protein function. In summary, the available evidence is currently insufficient to determine the role of this variant in disease. Therefore, it has been classified as a Variant of Uncertain Significance.

Revvity Omics, Revvity
Classification: Uncertain significance for Autosomal recessive limb-girdle muscular dystrophy type 2W. Last evaluated: 2019-05-28. Review status: criteria provided, single submitter. Criteria: ACMG Guidelines, 2015. Collection method: clinical testing. Allele origin: germline.

NM_001161403.3(LIMS2):c.289C>T (p.Pro97Ser)

Gene: LIMS2 (LIM zinc finger domain containing 2; minus strand). Cytogenetic location: 2q14.3.
Variant type: single nucleotide variant.
Coding change: c.289C>T on transcript NM_001161403.3 (MANE Select); coding-DNA position 289, C replaced by T.
Protein change: p.Pro97Ser; replaces proline 97 with serine.
Molecular consequence: missense variant.
Genome position (GRCh38, 1-based): chr2:127,654,494, G>A on the plus strand (C>T on the coding strand, the complement: LIMS2 is on the minus strand). VCF-style: chr2-127654494-G-A. GRCh37 (hg19) VCF-style: chr2-128412068-G-A.
Other names: c.355C>T, p.Pro119Ser (NM_001136037.4); c.274C>T, p.Pro92Ser (NM_001161404.2); c.361C>T, p.Pro121Ser (NM_017980.5); c.355C>T (NM_001136037.2); short protein forms P121S, P92S, P119S, P97S.
Identifiers: ClinVar variation 475546 (VCV000475546.11), dbSNP rs368536679, ClinGen allele CA1863458.